The following is an entry in ClinVar:

ClinVar aggregate classification (germline): Likely benign (1 of 4 stars; one submission).

Allele frequency attached by ClinVar (database versions not stated): ESP Exome Variant Server 0.00069; gnomAD 0.00111; TOPMed 0.00111; 1000 Genomes Project 0.00200; 1000 Genomes Project 30x 0.00234.
gnomAD v4.1: 1,702 of 1,611,770 alleles (0.11%); highest among the groups gnomAD compares: South Asian, 0.53%; 10 homozygotes.

Submission:

CeGaT Center for Human Genetics Tuebingen
Classification: Likely benign. Last evaluated: 2023-02-01. Review status: criteria provided, single submitter. Criteria: CeGaT Center For Human Genetics Tuebingen Variant Classification Criteria Version 2. Collection method: clinical testing. Allele origin: germline. Affected: yes. Observed: 1 variant allele.
Comment: MYB: BP4, BP7

NM_001130173.2(MYB):c.2121C>T (p.Leu707=)

Gene: MYB (MYB proto-oncogene, transcription factor; plus strand). Cytogenetic location: 6q23.3.
Variant type: single nucleotide variant.
Coding change: c.2121C>T on transcript NM_001130173.2 (MANE Select); coding-DNA position 2121, C replaced by T.
Protein change: p.Leu707=; no amino-acid change (leucine 707 retained).
Molecular consequence: synonymous variant. On other transcripts: non-coding transcript variant (8).
Genome position (GRCh38, 1-based): chr6:135,203,276, C>T. VCF-style: chr6-135203276-C-T. GRCh37 (hg19) VCF-style: chr6-135524414-C-T.
Other names: c.2112C>T, p.Leu704= (NM_001161656.2); c.1503C>T, p.Leu501= (NM_001161657.2); c.2073C>T, p.Leu691= (NM_001161658.2); c.1647C>T, p.Leu549= (NM_001161659.2); c.1653C>T, p.Leu551= (NM_001161660.2); c.1758C>T, p.Leu586= (NM_005375.4); c.1749C>T, p.Leu583= (NM_001130172.2).
Identifiers: ClinVar variation 2656924 (VCV002656924.24), dbSNP rs114303912, ClinGen allele CA4011797.
Genomic context (GRCh38, chr6:135,203,276, plus strand): 5'-GAATATTCTTACAAGCTCCGTTTTAATGGCACCAGCATCAGAAGATGAAGACAATGTTCT[C>T]AAAGCATTTACAGTACCTAAAAACAGGTCCCTGGCGAGCCCCTTGCAGGTAATTACTATT-3'
Protein context (NP_001123645.1, residues 697-717): APASEDEDNV[Leu707=]KAFTVPKNRS